The following is an entry in ClinVar:

ClinVar aggregate classification (germline): Likely pathogenic (1 of 4 stars; one submission).

Conditions:
Hyperornithinemia-hyperammonemia-homocitrullinuria syndrome (HHHS). Also called: HHH SYNDROME; Ornithine translocase deficiency. Identifiers: Orphanet 415, MedGen C0268540, MONDO:0009393, OMIM 238970.

gnomAD v4.1: 1 of 1,614,086 alleles (0.000062%); highest among the groups gnomAD compares: Non-Finnish European, 0.000085%; no homozygotes.

Submission:

Natera, Inc.
Classification: Likely pathogenic for Hyperornithinemia-hyperammonemia-homocitrullinuria syndrome. Last evaluated: 2025-09-19. Review status: criteria provided, single submitter. Criteria: Natera Variant Classification Schema (03/2026). Collection method: clinical testing. Allele origin: germline.
Comment: The c.322C>T variant in SLC25A15 is a nonsense variant predicted to introduce a stop codon at amino acid 108. This variant is expected to result in nonsense mediated decay, truncation, or a dysfunctional protein product. This variant is rare in the general population with a frequency below the threshold expected for the associated phenotype(s). Given the available evidence, this variant is classified as Likely Pathogenic.

NM_014252.4(SLC25A15):c.322C>T (p.Gln108Ter)

Gene: SLC25A15 (solute carrier family 25 member 15; plus strand). Cytogenetic location: 13q14.11.
Variant type: single nucleotide variant.
Coding change: c.322C>T on transcript NM_014252.4 (MANE Select); coding-DNA position 322, C replaced by T.
Protein change: p.Gln108Ter; replaces glutamine 108 with a stop codon.
Molecular consequence: nonsense.
Genome position (GRCh38, 1-based): chr13:40,805,125, C>T. VCF-style: chr13-40805125-C-T. GRCh37 (hg19) VCF-style: chr13-41379261-C-T.
Other names: short protein forms Q108*.
Identifiers: ClinVar variation 4815647 (VCV004815647.2).